The following is an entry in ClinVar:

NM_004984.4(KIF5A):c.1397T>C (p.Val466Ala)

Gene: KIF5A (kinesin family member 5A; plus strand). Cytogenetic location: 12q13.3.
Variant type: single nucleotide variant.
Coding change: c.1397T>C on transcript NM_004984.4 (MANE Select); coding-DNA position 1397, T replaced by C.
Protein change: p.Val466Ala; replaces valine 466 with alanine.
Molecular consequence: missense variant.
Genome position (GRCh38, 1-based): chr12:57,572,095, T>C. VCF-style: chr12-57572095-T-C. GRCh37 (hg19) VCF-style: chr12-57965878-T-C.
Other names: c.1130T>C, p.Val377Ala (NM_001354705.2); short protein forms V377A, V466A.
Identifiers: ClinVar variation 1506504 (VCV001506504.6), dbSNP rs2140165191, ClinGen allele CA385506112.

ClinVar aggregate classification (germline): Uncertain significance (1 of 4 stars; one submission).

Conditions:
Spastic paraplegia. Identifiers: MedGen C0037772, HP:0001258.

Submission:

Labcorp Genetics (formerly Invitae), Labcorp
Classification: Uncertain significance for Spastic paraplegia. Last evaluated: 2023-11-15. Review status: criteria provided, single submitter. Criteria: Invitae Variant Classification Sherloc (09022015). Collection method: clinical testing. Allele origin: germline.
Comment: This sequence change replaces valine, which is neutral and non-polar, with alanine, which is neutral and non-polar, at codon 466 of the KIF5A protein (p.Val466Ala). This variant is not present in population databases (gnomAD no frequency). This variant has not been reported in the literature in individuals affected with KIF5A-related conditions. ClinVar contains an entry for this variant (Variation ID: 1506504). Advanced modeling of protein sequence and biophysical properties (such as structural, functional, and spatial information, amino acid conservation, physicochemical variation, residue mobility, and thermodynamic stability) performed at Invitae indicates that this missense variant is not expected to disrupt KIF5A protein function with a negative predictive value of 95%. In summary, the available evidence is currently insufficient to determine the role of this variant in disease. Therefore, it has been classified as a Variant of Uncertain Significance.